The following is an entry in ClinVar:

ClinVar aggregate classification (germline): Uncertain significance (1 of 4 stars; one submission).

Allele frequency attached by ClinVar (database versions not stated): gnomAD exomes below 0.00001 and 0.00001.
gnomAD v4.1: 1 of 1,580,838 alleles (0.000063%); highest among the groups gnomAD compares: Admixed American, 0.0018%; no homozygotes.

Submission:

Labcorp Genetics (formerly Invitae), Labcorp
Classification: Uncertain significance. Last evaluated: 2022-09-13. Review status: criteria provided, single submitter. Criteria: Invitae Variant Classification Sherloc (09022015). Collection method: clinical testing. Allele origin: germline.
Comment: This sequence change replaces valine, which is neutral and non-polar, with leucine, which is neutral and non-polar, at codon 1453 of the ALPK3 protein (p.Val1453Leu). The frequency data for this variant in the population databases is considered unreliable, as metrics indicate poor data quality at this position in the gnomAD database. This variant has not been reported in the literature in individuals affected with ALPK3-related conditions. ClinVar contains an entry for this variant (Variation ID: 1362576). Advanced modeling of protein sequence and biophysical properties (such as structural, functional, and spatial information, amino acid conservation, physicochemical variation, residue mobility, and thermodynamic stability) performed at Invitae indicates that this missense variant is not expected to disrupt ALPK3 protein function. In summary, the available evidence is currently insufficient to determine the role of this variant in disease. Therefore, it has been classified as a Variant of Uncertain Significance.

NM_020778.5(ALPK3):c.3751G>T (p.Val1251Leu)

Gene: ALPK3 (alpha kinase 3; plus strand). Cytogenetic location: 15q25.3.
Variant type: single nucleotide variant.
Coding change: c.3751G>T on transcript NM_020778.5 (MANE Select); coding-DNA position 3751, G replaced by T.
Protein change: p.Val1251Leu; replaces valine 1251 with leucine.
Molecular consequence: missense variant.
Genome position (GRCh38, 1-based): chr15:84,858,489, G>T. VCF-style: chr15-84858489-G-T. GRCh37 (hg19) VCF-style: chr15-85401720-G-T.
Other names: short protein forms V1251L.
Identifiers: ClinVar variation 1362576 (VCV001362576.6), dbSNP rs1198332004, ClinGen allele CA393360885.
Genomic context (GRCh38, chr15:84,858,489, plus strand): 5'-GAGGAGCTGGCGGCAGGAGACCTGGGCCCCAGCCCCAAGGCCGGCGGTCTGGACACAGAG[G>T]TGGCCCTGGATGAAGGCAAGCAGGAGACACTGGCCAAGCCCAGGAAAGCCAAAGACCTGC-3'
Protein context (NP_065829.4, residues 1241-1261): SPKAGGLDTE[Val1251Leu]ALDEGKQETL